The following is an entry in ClinVar:

ClinVar aggregate classification (germline): Likely benign. Review status: criteria provided, multiple submitters, no conflicts (2 of 4 stars). 2 submissions from 2 submitters: Likely benign (2). Last evaluated 2025-08-29.

Conditions:
Fructose-biphosphatase deficiency (FBP1D). Also called: Fructose 1,6 Bisphosphatase Deficiency; Fructose-1,6-Bisphosphatase 1 Deficiency; Fructose-1,6-Diphosphatase Deficiency. Identifiers: Orphanet 348, MedGen C0016756, MONDO:0009251, OMIM 229700.

Allele frequency attached by ClinVar (database versions not stated): gnomAD exomes 0.00003 and 0.00002; ExAC 0.00005; TOPMed 0.00002; gnomAD 0.00001.
gnomAD v4.1: 45 of 1,614,066 alleles (0.0028%); highest among the groups gnomAD compares: Non-Finnish European, 0.0034%; no homozygotes.

Submissions (2):

Labcorp Genetics (formerly Invitae), Labcorp
Classification: Likely benign for Fructose-biphosphatase deficiency. Last evaluated: 2025-08-29. Review status: criteria provided, single submitter. Criteria: Invitae Variant Classification Sherloc (09022015). Collection method: clinical testing. Allele origin: germline.

GeneDx
Classification: Likely benign. Last evaluated: 2016-02-12. Review status: criteria provided, single submitter. Criteria: GeneDx Variant Classification (06012015). Collection method: clinical testing. Allele origin: germline. Affected: yes.
Comment: This variant is considered likely benign or benign based on one or more of the following criteria: it is a conservative change, it occurs at a poorly conserved position in the protein, it is predicted to be benign by multiple in silico algorithms, and/or has population frequency not consistent with disease.

NM_000507.4(FBP1):c.324G>A (p.Pro108=)

Gene: FBP1 (fructose-bisphosphatase 1; minus strand). Cytogenetic location: 9q22.32.
Variant type: single nucleotide variant.
Coding change: c.324G>A on transcript NM_000507.4 (MANE Select); coding-DNA position 324, G replaced by A.
Protein change: p.Pro108=; no amino-acid change (proline 108 retained).
Molecular consequence: synonymous variant.
Genome position (GRCh38, 1-based): chr9:94,620,338, C>T on the plus strand (G>A on the coding strand, the complement: FBP1 is on the minus strand). VCF-style: chr9-94620338-C-T. GRCh37 (hg19) VCF-style: chr9-97382620-C-T.
Other names: c.324G>A, p.Pro108= (NM_001127628.2).
Identifiers: ClinVar variation 383291 (VCV000383291.4), dbSNP rs745724824, ClinGen allele CA5136292.